The following is an entry in ClinVar:

ClinVar aggregate classification (germline): Uncertain significance. Review status: reviewed by expert panel (3 of 4 stars). 2 submissions from 2 submitters: Uncertain significance (1). 1 of the submissions does not count toward it. Last evaluated 2025-08-01.

Conditions:
Malignant hyperthermia, susceptibility to, 1 (MHS1). Also called: RYR1-Related Malignant Hyperthermia Susceptibility; Malignant hyperthermia suceptibility 1; Anesthesia related hyperthermia; Malignant hyperpyrexia; Fulminating hyperpyrexia; Pharmacogenic myopathy. Identifiers: Orphanet 423, MedGen C2930980, MONDO:0007783, OMIM 145600.

Submissions (2):

ClinGen Malignant Hyperthermia Susceptibility Variant Curation Expert Panel, ClinGen
Classification: Uncertain significance for Malignant hyperthermia, susceptibility to, 1. Last evaluated: 2025-08-01. Review status: reviewed by expert panel. Criteria: ClinGen MHS ACMG Specifications V2. Collection method: curation. Allele origin: germline. Inheritance: Autosomal dominant inheritance. Study: ClinGen.
Comment: This pathogenicity assessment is relevant only for malignant hyperthermia susceptibility (MHS) inherited in an autosomal dominant pattern. Variants in RYR1 can also cause other myopathies inherited in an autosomal dominant pattern or in an autosomal recessive pattern. Some of these disorders may predispose individuals to malignant hyperthermia. RYR1 variants may also contribute to a malignant hyperthermia reaction in combination with other genetic and non-genetic factors and the clinician needs to consider such factors in making management decisions. This sequence variant predicts a substitution of glycine with valine at codon 4942 of the RYR1 protein, p.(Gly4942Val). This variant was not present in a large population database (gnomAD) at the time this variant was interpreted. To our knowledge this variant has not been reported in the literature in individuals who have a personal or family history of a malignant hyperthermia reaction. No functional studies were identified for this variant. This variant resides in a region of RYR1 considered to be a hotspot for pathogenic variants that contribute to MHS, PM1_Sup (PMID: 21118704). A REVEL score >0.85 (0.922) supports a pathogenic status for this variant, PP3_Moderate. This variant has been classified as a Variant of Unknown Significance. Criteria implemented: PM1_Supporting, PP3_Moderate.¬†

RYR1 database
No classification provided. Review status: no classification provided. Collection method: not provided. Allele origin: unknown. Not counted in ClinVar's aggregate classification.

NM_000540.3(RYR1):c.14825G>T (p.Gly4942Val)

Gene: RYR1 (ryanodine receptor 1; plus strand). Cytogenetic location: 19q13.2.
Variant type: single nucleotide variant.
Coding change: c.14825G>T on transcript NM_000540.3 (MANE Select); coding-DNA position 14825, G replaced by T.
Protein change: p.Gly4942Val; replaces glycine 4942 with valine.
Molecular consequence: missense variant.
Genome position (GRCh38, 1-based): chr19:38,585,959, G>T. VCF-style: chr19-38585959-G-T. GRCh37 (hg19) VCF-style: chr19-39076599-G-T.
Other names: NM_000540.2(RYR1):c.14825G>T; c.14810G>T, p.Gly4937Val (NM_001042723.2); short protein forms G4942V, G4937V.
Identifiers: ClinVar variation 133094 (VCV000133094.4), dbSNP rs193922896, ClinGen allele CA024268.